The following is an entry in ClinVar:

NM_001145715.3(KPNA7):c.284+3A>G

Gene: KPNA7 (karyopherin subunit alpha 7; minus strand). Cytogenetic location: 7q22.1.
Variant type: single nucleotide variant.
Coding change: c.284+3A>G on transcript NM_001145715.3 (MANE Select); 3 bases into the intron after coding-DNA position 284, A replaced by G.
Molecular consequence: intron variant.
Genome position (GRCh38, 1-based): chr7:99,196,081, T>C on the plus strand (A>G on the coding strand, the complement: KPNA7 is on the minus strand). VCF-style: chr7-99196081-T-C. GRCh37 (hg19) VCF-style: chr7-98793704-T-C.
Identifiers: ClinVar variation 1510008 (VCV001510008.7), dbSNP rs971567144, ClinGen allele CA576681360.
Genomic context (GRCh38, chr7:99,196,081, plus strand): 5'-AGCCATCACTGACGCTCATTGCTAACTATGAACCTGCAACAGCAGAAGTCTGTTTGGAGA[T>C]ACCTGGCTGTCTGGGTGGCCTGGAAACATAGGACTGGATCTGAGCTATTCACACCTTTGA-3'

ClinVar aggregate classification (germline): Uncertain significance (1 of 4 stars; one submission).

gnomAD v4.1: 5 of 1,550,904 alleles (0.00032%); highest among the groups gnomAD compares: East Asian, 0.0098%; no homozygotes.

Submission:

Labcorp Genetics (formerly Invitae), Labcorp
Classification: Uncertain significance. Last evaluated: 2021-10-08. Review status: criteria provided, single submitter. Criteria: Invitae Variant Classification Sherloc (09022015). Collection method: clinical testing. Allele origin: germline.
Comment: In summary, the available evidence is currently insufficient to determine the role of this variant in disease. Therefore, it has been classified as a Variant of Uncertain Significance. This sequence change falls in intron 3 of the KPNA7 gene. It does not directly change the encoded amino acid sequence of the KPNA7 protein. It affects a nucleotide within the consensus splice site. This variant is not present in population databases (ExAC no frequency). This variant has not been reported in the literature in individuals affected with KPNA7-related conditions. Variants that disrupt the consensus splice site are a relatively common cause of aberrant splicing (PMID: 17576681, 9536098). Algorithms developed to predict the effect of sequence changes on RNA splicing suggest that this variant may disrupt the consensus splice site.

Literature cited by the submitters: PubMed 17576681; PubMed 9536098.